The following is an entry in ClinVar:

NM_000038.6(APC):c.2250A>T (p.Pro750=)

Gene: APC (APC regulator of Wnt signaling pathway; plus strand). Cytogenetic location: 5q22.2.
Variant type: single nucleotide variant.
Coding change: c.2250A>T on transcript NM_000038.6 (MANE Select); coding-DNA position 2250, A replaced by T.
Protein change: p.Pro750=; no amino-acid change (proline 750 retained).
Molecular consequence: synonymous variant.
Genome position (GRCh38, 1-based): chr5:112,837,844, A>T. VCF-style: chr5-112837844-A-T. GRCh37 (hg19) VCF-style: chr5-112173541-A-T.
Other names: c.2250A>T, p.Pro750= (NM_001127510.3, NM_001354895.2); c.2196A>T, p.Pro732= (NM_001127511.3); c.2304A>T, p.Pro768= (NM_001354896.2); c.2280A>T, p.Pro760= (NM_001354897.2); c.2175A>T, p.Pro725= (NM_001354898.2); c.2166A>T, p.Pro722= (NM_001354899.2); c.2127A>T, p.Pro709= (NM_001354900.2); c.2073A>T, p.Pro691= (NM_001354901.2); and 5 more.
Identifiers: ClinVar variation 516257 (VCV000516257.28), dbSNP rs376526724, ClinGen allele CA031515.
Genomic context (GRCh38, chr5:112,837,844, plus strand): 5'-GGCAAATAGGCCTGCGAAGTACAAGGATGCCAATATTATGTCTCCTGGCTCAAGCTTGCC[A>T]TCTCTTCATGTTAGGAAACAAAAAGCCCTAGAAGCAGAATTAGATGCTCAGCACTTATCA-3'
Protein context (NP_000029.2, residues 740-760): ANIMSPGSSL[Pro750=]SLHVRKQKAL

ClinVar aggregate classification (germline): Conflicting classifications of pathogenicity. Review status: criteria provided, conflicting classifications (1 of 4 stars). 8 submissions from 8 submitters: Uncertain significance (1); Benign (1); Likely benign (6). Last evaluated 2025-11-24.

Conditions:
Hereditary cancer-predisposing syndrome. Also called: Hereditary Cancer Syndrome; Neoplastic Syndromes, Hereditary; Tumor predisposition; Hereditary neoplastic syndrome. Identifiers: Orphanet 140162, MedGen C0027672, MeSH D009386, MONDO:0015356.
Familial adenomatous polyposis 1 (FAP1). Also called: FAMILIAL ADENOMATOUS POLYPOSIS 1, ATTENUATED; POLYPOSIS, ADENOMATOUS INTESTINAL. Identifiers: MedGen C2713442, MONDO:0021056, OMIM 175100. Disease mechanism: loss of function.
Classic or attenuated familial adenomatous polyposis. Identifiers: MedGen CN372698, MONDO:0021057.

Allele frequency attached by ClinVar (database versions not stated): gnomAD exomes 0.00001; ExAC 0.00002; TOPMed 0.00004; gnomAD 0.00005 and 0.00006; ESP Exome Variant Server 0.00015.
gnomAD v4.1: 11 of 1,613,958 alleles (0.00068%); highest among the groups gnomAD compares: African/African-American, 0.015%; no homozygotes.

Submissions (8):

Labcorp Genetics (formerly Invitae), Labcorp
Classification: Likely benign for Familial adenomatous polyposis 1. Last evaluated: 2025-11-24. Review status: criteria provided, single submitter. Criteria: Invitae Variant Classification Sherloc (09022015). Collection method: clinical testing. Allele origin: germline.

Women's Health and Genetics/Laboratory Corporation of America, LabCorp
Classification: Likely benign. Last evaluated: 2024-12-06. Review status: criteria provided, single submitter. Criteria: LabCorp Variant Classification Summary - May 2015. Collection method: clinical testing. Allele origin: germline.

Myriad Genetics, Inc.
Classification: Benign for Familial adenomatous polyposis 1. Last evaluated: 2024-03-11. Review status: criteria provided, single submitter. Criteria: Myriad Autosomal Dominant, Autosomal Recessive and X-Linked Classification Criteria (2023). Collection method: clinical testing. Allele origin: unknown.
Comment: This variant is considered benign. This variant is a silent/synonymous amino acid change and it is not expected to impact splicing.

All of Us Research Program, National Institutes of Health
Classification: Likely benign for Classic or attenuated familial adenomatous polyposis. Last evaluated: 2023-10-06. Review status: criteria provided, single submitter. Criteria: ACMG Guidelines, 2015. Collection method: clinical testing. Allele origin: germline. Inheritance: Autosomal dominant inheritance. Observed: 2 variant alleles, 2 heterozygotes.
Comment: This study involves interpretation of variants in research participants for the purpose of population health screening. Participant phenotype was not available at the time of variant classification. Additional details can be found in publication PMID: 35346344, PMCID: PMC8962531

GeneDx
Classification: Likely benign. Last evaluated: 2019-09-23. Review status: criteria provided, single submitter. Criteria: GeneDx Variant Classification Process June 2021. Collection method: clinical testing. Allele origin: germline. Affected: yes.

Color Diagnostics, LLC DBA Color Health
Classification: Likely benign for Hereditary cancer-predisposing syndrome. Last evaluated: 2019-05-06. Review status: criteria provided, single submitter. Criteria: ACMG Guidelines, 2015. Collection method: clinical testing. Allele origin: germline.

Eurofins Ntd Llc (ga)
Classification: Uncertain significance. Last evaluated: 2018-06-19. Review status: criteria provided, single submitter. Criteria: EGL ClinVar v180209 classification definitions. Collection method: clinical testing. Allele origin: germline. Observed: 1 variant allele, 1 heterozygote.

Ambry Genetics
Classification: Likely benign for Hereditary cancer-predisposing syndrome. Last evaluated: 2015-07-10. Review status: criteria provided, single submitter. Criteria: Ambry Variant Classification Scheme 2023. Collection method: clinical testing. Allele origin: germline.